The following is an entry in ClinVar:

NM_012188.5(FOXI1):c.*535A>G

Gene: FOXI1 (forkhead box I1; plus strand). Cytogenetic location: 5q35.1.
Variant type: single nucleotide variant.
Coding change: c.*535A>G on transcript NM_012188.5 (MANE Select); 535 bases downstream of the stop codon, A replaced by G.
Molecular consequence: 3 prime UTR variant.
Genome position (GRCh38, 1-based): chr5:170,109,146, A>G. VCF-style: chr5-170109146-A-G. GRCh37 (hg19) VCF-style: chr5-169536150-A-G.
Other names: NC_000005.9:g.169536150A>G; c.*535A>G (NM_144769.4).
Identifiers: ClinVar variation 352719 (VCV000352719.6), dbSNP rs6555888, ClinGen allele CA10624082.

ClinVar aggregate classification (germline): Benign (1 of 4 stars; one submission).

Conditions:
Autosomal recessive nonsyndromic hearing loss 4 (DFNB4). Also called: FOXI1-Related Pendred Syndrome; KCNJ10-Related Pendred Syndrome; DEAFNESS, AUTOSOMAL RECESSIVE 4, WITH ENLARGED VESTIBULAR AQUEDUCT, DIGENIC; Nonsyndromic enlarged vestibular aqueduct (NSEVA); Deafness, autosomal recessive 4, with enlarged vestibular aqueduct; Deafness, autosomal recessive 4. Identifiers: Orphanet 90636, MedGen C3538946, MONDO:0010933, OMIM 600791.

Allele frequency attached by ClinVar (database versions not stated): gnomAD exomes 0.79685; gnomAD 0.81574 and 0.82093; TOPMed 0.82890; 1000 Genomes Project 30x 0.86524; 1000 Genomes Project 0.86861.
gnomAD v4.1: 125,898 of 153,512 alleles (82%); highest among the groups gnomAD compares: East Asian, 94%; 51,778 homozygotes.

Submissions (3):

Illumina Laboratory Services, Illumina
Classification: Benign for Autosomal recessive nonsyndromic hearing loss 4. Last evaluated: 2018-01-13. Review status: criteria provided, single submitter. Criteria: ICSL Variant Classification Criteria 13 December 2019. Collection method: clinical testing. Allele origin: germline.
Comment: This variant was observed in the ICSL laboratory as part of a predisposition screen in an ostensibly healthy population. It had not been previously curated by ICSL or reported in the Human Gene Mutation Database (HGMD: prior to June 1st, 2018), and was therefore a candidate for classification through an automated scoring system. Utilizing variant allele frequency, disease prevalence and penetrance estimates, and inheritance mode, an automated score was calculated to assess if this variant is too frequent to cause the disease. Based on the score and internal cut-off values, a variant classified as benign is not then subjected to further curation. The score for this variant resulted in a classification of benign for this disease.

Dr. Peter K. Rogan Lab, Western University
No classification provided (evidence only). Condition: Cervical cancer. Review status: no classification provided. Collection method: in vitro. Allele origin: not applicable. Functional consequence: retained intron. Not counted in ClinVar's aggregate classification.

Dr. Peter K. Rogan Lab, Western University
No classification provided (evidence only). Condition: Sarcoma. Review status: no classification provided. Collection method: in vitro. Allele origin: not applicable. Functional consequence: retained intron. Not counted in ClinVar's aggregate classification.